The following is an entry in ClinVar:

NM_006766.5(KAT6A):c.1688T>A (p.Phe563Tyr)

Gene: KAT6A (lysine acetyltransferase 6A; minus strand). Cytogenetic location: 8p11.21.
Variant type: single nucleotide variant.
Coding change: c.1688T>A on transcript NM_006766.5 (MANE Select); coding-DNA position 1688, T replaced by A.
Protein change: p.Phe563Tyr; replaces phenylalanine 563 with tyrosine.
Molecular consequence: missense variant.
Genome position (GRCh38, 1-based): chr8:41,949,274, A>T on the plus strand (T>A on the coding strand, the complement: KAT6A is on the minus strand). VCF-style: chr8-41949274-A-T. GRCh37 (hg19) VCF-style: chr8-41806792-A-T.
Other names: c.1688T>A, p.Phe563Tyr (NM_001305878.2); short protein forms F563Y.
Identifiers: ClinVar variation 1938298 (VCV001938298.8), dbSNP rs1219648533, ClinGen allele CA371074252.

ClinVar aggregate classification (germline): Conflicting classifications of pathogenicity. Review status: criteria provided, conflicting classifications (1 of 4 stars). 3 submissions from 3 submitters: Uncertain significance (2); Benign (1). Last evaluated 2024-09-16.

Conditions:
Inborn genetic diseases. Identifiers: MedGen C0950123, MeSH D030342.
Autosomal dominant intellectual disability-craniofacial anomalies-cardiac defects syndrome (ARTHS). Also called: Arboleda-Tham syndrome; Mental retardation, autosomal dominant 32; KAT6A syndrome. Identifiers: Orphanet 457193, MedGen C4225396, MONDO:0014558, OMIM 616268.

Allele frequency attached by ClinVar (database versions not stated): gnomAD exomes below 0.00001; TOPMed 0.00001.

Submissions (3):

Labcorp Genetics (formerly Invitae), Labcorp
Classification: Benign. Last evaluated: 2024-09-16. Review status: criteria provided, single submitter. Criteria: Invitae Variant Classification Sherloc (09022015). Collection method: clinical testing. Allele origin: germline.

Laboratorio de Genetica e Diagnostico Molecular, Hospital Israelita Albert Einstein
Classification: Uncertain significance for Autosomal dominant intellectual disability-craniofacial anomalies-cardiac defects syndrome. Last evaluated: 2023-02-03. Review status: criteria provided, single submitter. Criteria: ACMG Guidelines, 2015. Collection method: clinical testing. Allele origin: germline. Affected: yes.
Comment: ACMG classification criteria: PM2 supporting, BP4 supporting

Ambry Genetics
Classification: Uncertain significance for Inborn genetic diseases. Last evaluated: 2021-08-02. Review status: criteria provided, single submitter. Criteria: Ambry Variant Classification Scheme 2023. Collection method: clinical testing. Allele origin: germline.